The following is an entry in ClinVar:

NM_000245.4(MET):c.2336T>A (p.Val779Glu)

Gene: MET (MET proto-oncogene, receptor tyrosine kinase; plus strand). Cytogenetic location: 7q31.2.
Variant type: single nucleotide variant.
Coding change: c.2336T>A on transcript NM_000245.4 (MANE Select); coding-DNA position 2336, T replaced by A.
Protein change: p.Val779Glu; replaces valine 779 with glutamic acid.
Molecular consequence: missense variant.
Genome position (GRCh38, 1-based): chr7:116,759,462, T>A. VCF-style: chr7-116759462-T-A. GRCh37 (hg19) VCF-style: chr7-116399516-T-A.
Other names: c.2390T>A, p.Val797Glu (NM_001127500.3); c.2336T>A, p.Val779Glu (NM_001324401.3); c.1046T>A, p.Val349Glu (NM_001324402.2); short protein forms V779E, V797E, V349E.
Identifiers: ClinVar variation 3294362 (VCV003294362.1).

ClinVar aggregate classification (germline): Uncertain significance (1 of 4 stars; one submission).

Conditions:
Hereditary cancer-predisposing syndrome. Also called: Tumor predisposition; Hereditary Cancer Syndrome; Hereditary neoplastic syndrome; Neoplastic Syndromes, Hereditary. Identifiers: Orphanet 140162, MedGen C0027672, MeSH D009386, MONDO:0015356.

gnomAD v4.1: 1 of 1,613,746 alleles (0.000062%); highest among the groups gnomAD compares: Non-Finnish European, 0.000085%; no homozygotes.

Submission:

Ambry Genetics
Classification: Uncertain significance for Hereditary cancer-predisposing syndrome. Last evaluated: 2024-05-18. Review status: criteria provided, single submitter. Criteria: Ambry Variant Classification Scheme 2023. Collection method: clinical testing. Allele origin: germline.
Comment: The p.V797E variant (also known as c.2390T>A), located in coding exon 9 of the MET gene, results from a T to A substitution at nucleotide position 2390. The valine at codon 797 is replaced by glutamic acid, an amino acid with dissimilar properties. This amino acid position is conserved. In addition, this alteration is predicted to be deleterious by in silico analysis. Based on the available evidence, the clinical significance of this variant remains unclear.